The following is an entry in ClinVar:

ClinVar aggregate classification (germline): Uncertain significance (1 of 4 stars; one submission).

Conditions:
OTOGL-related disorder. Also called: OTOGL-related condition.

gnomAD v4.1: 11 of 1,598,862 alleles (0.00069%); highest among the groups gnomAD compares: Admixed American, 0.0067%; no homozygotes.

Submission:

PreventionGenetics, part of Exact Sciences
Classification: Uncertain significance for OTOGL-related condition. Last evaluated: 2026-06-10. Review status: criteria provided, single submitter. Criteria: ACMG Guidelines, 2015. Collection method: clinical testing. Allele origin: germline.
Comment: The OTOGL c.676T>C variant is predicted to result in the amino acid substitution p.Trp226Arg. To our knowledge, this variant has not been reported in the literature. This variant is reported in 0.0029% of alleles in individuals of Latino descent in gnomAD. At this time, the clinical significance of this variant is uncertain due to the absence of conclusive functional and genetic evidence.

NM_001378609.3(OTOGL):c.703T>C (p.Trp235Arg)

Gene: OTOGL (otogelin like; plus strand). Cytogenetic location: 12q21.31.
Variant type: single nucleotide variant.
Coding change: c.703T>C on transcript NM_001378609.3 (MANE Select); coding-DNA position 703, T replaced by C.
Protein change: p.Trp235Arg; replaces tryptophan 235 with arginine.
Molecular consequence: missense variant.
Genome position (GRCh38, 1-based): chr12:80,232,983, T>C. VCF-style: chr12-80232983-T-C. GRCh37 (hg19) VCF-style: chr12-80626763-T-C.
Other names: c.703T>C, p.Trp235Arg (NM_001368062.3, NM_001378610.3, NM_173591.7); short protein forms W235R.
Identifiers: ClinVar variation 4989150 (VCV004989150.1).